The following is an entry in ClinVar:

NM_002206.3(ITGA7):c.132G>A (p.Lys44=)

Gene: ITGA7 (integrin subunit alpha 7; minus strand). Cytogenetic location: 12q13.2.
Variant type: single nucleotide variant.
Coding change: c.132G>A on transcript NM_002206.3 (MANE Select); coding-DNA position 132, G replaced by A.
Protein change: p.Lys44=; no amino-acid change (lysine 44 retained).
Molecular consequence: synonymous variant. On other transcripts: 5 prime UTR variant (1), intron variant (3).
Genome position (GRCh38, 1-based): chr12:55,707,551, C>T on the plus strand (G>A on the coding strand, the complement: ITGA7 is on the minus strand). VCF-style: chr12-55707551-C-T. GRCh37 (hg19) VCF-style: chr12-56101335-C-T.
Other names: c.132G>A, p.Lys44= (NM_001144996.2, NM_001374465.1, NM_001410977.1 and 6 more transcripts); c.-1041G>A (NM_001367994.1); c.85+4512G>A (NM_001144997.2); c.-133-4373G>A (NM_001367993.1, NM_001414035.1).
Identifiers: ClinVar variation 4682225 (VCV004682225.1).

ClinVar aggregate classification (germline): Uncertain significance (1 of 4 stars; one submission).

gnomAD v4.1: 12 of 1,613,950 alleles (0.00074%); highest among the groups gnomAD compares: African/African-American, 0.016%; no homozygotes.

Submission:

Athena Diagnostics
Classification: Uncertain significance. Last evaluated: 2025-03-31. Review status: criteria provided, single submitter. Criteria: Athena Diagnostics Criteria. Collection method: clinical testing. Allele origin: unknown.
Comment: Available data are insufficient to determine the clinical significance of the variant at this time. The frequency of this variant in the general population is uninformative in assessment of its pathogenicity. Computational tools yielded predictions that this variant is unlikely to have an effect on normal RNA splicing.